The following is an entry in ClinVar:

NM_001256012.3(MYH10):c.3995A>G (p.Lys1332Arg)

Gene: MYH10 (myosin heavy chain 10; minus strand). Cytogenetic location: 17p13.1.
Variant type: single nucleotide variant.
Coding change: c.3995A>G on transcript NM_001256012.3 (MANE Select); coding-DNA position 3995, A replaced by G.
Protein change: p.Lys1332Arg; replaces lysine 1332 with arginine.
Molecular consequence: missense variant.
Genome position (GRCh38, 1-based): chr17:8,495,198, T>C on the plus strand (A>G on the coding strand, the complement: MYH10 is on the minus strand). VCF-style: chr17-8495198-T-C. GRCh37 (hg19) VCF-style: chr17-8398516-T-C.
Other names: c.3929A>G, p.Lys1310Arg (NM_001256095.2); c.3932A>G, p.Lys1311Arg (NM_001375266.1); c.3902A>G, p.Lys1301Arg (NM_005964.5); short protein forms K1301R, K1310R, K1311R, K1332R.
Identifiers: ClinVar variation 3390496 (VCV003390496.1).

ClinVar aggregate classification (germline): Uncertain significance (1 of 4 stars; one submission).

gnomAD v4.1: 5 of 1,613,488 alleles (0.00031%); highest among the groups gnomAD compares: African/African-American, 0.0027%; no homozygotes.

Submission:

GeneDx
Classification: Uncertain significance. Last evaluated: 2024-06-14. Review status: criteria provided, single submitter. Criteria: GeneDx Variant Classification Process June 2021. Collection method: clinical testing. Allele origin: germline. Affected: yes.
Comment: Not observed at significant frequency in large population cohorts (gnomAD); In silico analysis indicates that this missense variant does not alter protein structure/function; Has not been previously published as pathogenic or benign to our knowledge